The following is an entry in ClinVar:

NC_000002.12:g.(?_227147403)_(227147493_?)del

Gene: COL4A4 (collagen type IV alpha 4 chain; minus strand). Cytogenetic location: 2q36.3.
Variant type: Deletion.
Identifiers: ClinVar variation 832055 (VCV000832055.3).

ClinVar aggregate classification (germline): Pathogenic (1 of 4 stars; one submission).

Submission:

Labcorp Genetics (formerly Invitae), Labcorp
Classification: Pathogenic. Last evaluated: 2019-08-20. Review status: criteria provided, single submitter. Criteria: Invitae Variant Classification Sherloc (09022015). Collection method: clinical testing. Allele origin: germline.
Comment: For these reasons, this variant has been classified as Pathogenic. Loss-of-function variants in COL4A4 are known to be pathogenic (PMID: 19129241, 21196518, 24052634, 24522496, 24854265, 25307543, 26809805, 27281700). This variant has not been reported in the literature in individuals with COL4A4-related conditions. This sequence change is a complex rearrangement involving deletion of exon 2, which includes the initiator codon. Although the exact nature of the event is unknown, it is likely that this is a loss of exon 2 and an inversion of exon 3. This is expected to result in an absent or disrupted protein product.

Literature cited by the submitters: PubMed 19129241; PubMed 21196518; PubMed 24052634; PubMed 24522496; PubMed 24854265; PubMed 25307543; PubMed 26809805; PubMed 27281700.